The following is an entry in ClinVar:

NM_001099922.3(ALG13):c.2975G>A (p.Cys992Tyr)

Gene: ALG13 (ALG13 UDP-N-acetylglucosaminyltransferase subunit; plus strand). Cytogenetic location: Xq23.
Variant type: single nucleotide variant.
Coding change: c.2975G>A on transcript NM_001099922.3 (MANE Select); coding-DNA position 2975, G replaced by A.
Protein change: p.Cys992Tyr; replaces cysteine 992 with tyrosine.
Molecular consequence: missense variant. On other transcripts: non-coding transcript variant (1).
Genome position (GRCh38, 1-based): chrX:111,757,589, G>A. VCF-style: chrX-111757589-G-A. GRCh37 (hg19) VCF-style: chrX-111000817-G-A.
Other names: c.2426G>A, p.Cys809Tyr (NM_001257230.2, NM_001257234.2, NM_001257237.2); c.2741G>A, p.Cys914Tyr (NM_001257231.2); c.2738G>A, p.Cys913Tyr (NM_001324292.2); c.2252G>A, p.Cys751Tyr (NM_001324293.1); short protein forms C992Y, C809Y, C914Y, C751Y, C913Y.
Identifiers: ClinVar variation 195934 (VCV000195934.19), dbSNP rs190790872, ClinGen allele CA242640.

ClinVar aggregate classification (germline): Conflicting classifications of pathogenicity. Review status: criteria provided, conflicting classifications (1 of 4 stars). 6 submissions from 6 submitters: Uncertain significance (4); Likely benign (2). Last evaluated 2026-01-19.

Conditions:
Developmental and epileptic encephalopathy, 36 (DEE36). Also called: Epileptic encephalopathy, early infantile, 36; Congenital disorder of glycosylation, type Is; ALG13-CDG. Identifiers: Orphanet 324422, MedGen C4317295, MONDO:0010472, OMIM 300884.

Allele frequency attached by ClinVar (database versions not stated): gnomAD exomes 0.00001 and 0.00003; ExAC 0.00003; gnomAD 0.00027; 1000 Genomes Project 30x 0.00042; TOPMed 0.00043; 1000 Genomes Project 0.00053.
gnomAD v4.1: 48 of 1,192,706 alleles (0.004%); highest among the groups gnomAD compares: Admixed American, 0.09%; no homozygotes.

Submissions (6):

Labcorp Genetics (formerly Invitae), Labcorp
Classification: Likely benign for Developmental and epileptic encephalopathy, 36. Last evaluated: 2026-01-19. Review status: criteria provided, single submitter. Criteria: Invitae Variant Classification Sherloc (09022015). Collection method: clinical testing. Allele origin: germline.

Blueprint Genetics
Classification: Likely benign. Last evaluated: 2022-03-25. Review status: criteria provided, single submitter. Criteria: ACMG Guidelines, 2015. Collection method: clinical testing. Allele origin: germline.

Revvity Omics, Revvity
Classification: Uncertain significance for Developmental and epileptic encephalopathy, 36. Last evaluated: 2021-05-12. Review status: criteria provided, single submitter. Criteria: ACMG Guidelines, 2015. Collection method: clinical testing. Allele origin: germline.

Women's Health and Genetics/Laboratory Corporation of America, LabCorp
Classification: Uncertain significance. Last evaluated: 2019-07-25. Review status: criteria provided, single submitter. Criteria: LabCorp Variant Classification Summary - May 2015. Collection method: clinical testing. Allele origin: germline.
Comment: Variant summary: ALG13 c.2975G>A (p.Cys992Tyr) results in a non-conservative amino acid change in the encoded protein sequence. Four of five in-silico tools predict a benign effect of the variant on protein function. 4/5 computational tools predict no significant impact on normal splicing. However, these predictions have yet to be confirmed by functional studies. The variant allele was detected in 7 female individuals at an overall frequency of 3.8e-05 in 183384 control chromosomes, predominantly at a frequency of 0.00024 within the Latino subpopulation in the gnomAD database. The available data on variant occurrences in the general population are insufficient to allow any conclusion about variant significance. To our knowledge, no occurrence of c.2975G>A in individuals affected with Epileptic encephalopathy, early infantile, 36 and no experimental evidence demonstrating its impact on protein function have been reported. Two ClinVar submitters (evaluation after 2014) cite the variant as uncertain significance. Based on the evidence outlined above, the variant was classified as uncertain significance.

Athena Diagnostics
Classification: Uncertain significance. Last evaluated: 2018-02-07. Review status: criteria provided, single submitter. Criteria: Athena Diagnostics Criteria. Collection method: clinical testing. Allele origin: germline.

Eurofins Ntd Llc (ga)
Classification: Uncertain significance. Last evaluated: 2014-11-19. Review status: criteria provided, single submitter. Criteria: EGL Classification Definitions 2015. Collection method: clinical testing. Allele origin: germline. Observed: 1 variant allele, 1 heterozygote.